The following is an entry in ClinVar:

ClinVar aggregate classification (germline): Conflicting classifications of pathogenicity. Review status: criteria provided, conflicting classifications (1 of 4 stars). 18 submissions from 18 submitters: Uncertain significance (11); Likely benign (2). 5 of the submissions do not count toward it. Last evaluated 2026-02-01.

Conditions:
FANCA-related disorder. Also called: FANCA-related condition.
Fanconi anemia (FA). Also called: Fanconi's anemia. Identifiers: Orphanet 84, MedGen C0015625, MeSH D005199, MONDO:0019391.
Fanconi anemia complementation group A (FANCA). Also called: Fanconi anemia, group A; FANCA-Related Fanconi Anemia. Identifiers: Orphanet 84, MedGen C3469521, MONDO:0009215, OMIM 227650.

Allele frequency attached by ClinVar (database versions not stated): TOPMed 0.00045; ExAC 0.00064; gnomAD exomes 0.00083 and 0.00053; ESP Exome Variant Server 0.00085; gnomAD 0.00046 and 0.00047.
gnomAD v4.1: 1,271 of 1,614,000 alleles (0.079%); highest among the groups gnomAD compares: Non-Finnish European, 0.1%; 2 homozygotes.

Submissions (18):

Labcorp Genetics (formerly Invitae), Labcorp
Classification: Likely benign for Fanconi anemia. Last evaluated: 2026-02-01. Review status: criteria provided, single submitter. Criteria: Invitae Variant Classification Sherloc (09022015). Collection method: clinical testing. Allele origin: germline.

Center for Genomic Medicine, Rigshospitalet, Copenhagen University Hospital
Classification: Uncertain significance. Last evaluated: 2025-12-29. Review status: criteria provided, single submitter. Criteria: ACMG Guidelines, 2015. Collection method: clinical testing. Allele origin: germline.

Women's Health and Genetics/Laboratory Corporation of America, LabCorp
Classification: Uncertain significance. Last evaluated: 2025-10-03. Review status: criteria provided, single submitter. Criteria: LabCorp Variant Classification Summary - May 2015. Collection method: clinical testing. Allele origin: germline.
Comment: Variant summary: FANCA c.3430C>T (p.Arg1144Trp) results in a non-conservative amino acid change in the encoded protein sequence. Algorithms developed to predict the effect of missense changes on protein structure and function are either unavailable or do not agree on the potential impact of this missense change. The variant allele was found at a frequency of 0.00053 in 251310 control chromosomes, predominantly at a frequency of 0.001 within the Non-Finnish European subpopulation in the gnomAD database, including 2 homozygotes. This frequency is not significantly higher than estimated for disease-causing variants in FANCA, although the presence of the variant in homozygotes suggests it may be benign or could result in a mild or low penetrance phenotype when found in the homozygous state. On the other hand, the c.3430C>T variant has been observed in a compound heterozygous individual affected with Fanconi Anemia (Gille_2012), who carried a likely pathogenic FANCA variant, although the phase of these variants was not provided. In addition, the variant has been reported in heterozygous state in patients affected with breast cancer and other tumor phenotypes (e.g Penkert_2018, de Angelis de Carvalho_2020). These reports do not provide unequivocal conclusions about association of the variant with Fanconi Anemia. To our knowledge, no experimental evidence demonstrating an impact on protein function has been reported. The following publications have been ascertained in the context of this evaluation (PMID: 22778927, 30086788, 32659967). ClinVar contains an entry for this variant (Variation ID: 408171). Based on the evidence outlined above, the variant was classified as uncertain significance.

Mayo Clinic Laboratories, Mayo Clinic
Classification: Uncertain significance. Last evaluated: 2025-09-29. Review status: criteria provided, single submitter. Criteria: ACMG Guidelines, 2015. Collection method: clinical testing. Allele origin: germline. Observed: 2 variant alleles.

Quest Diagnostics Nichols Institute San Juan Capistrano
Classification: Uncertain significance. Last evaluated: 2025-04-09. Review status: criteria provided, single submitter. Criteria: Quest Diagnostics criteria. Collection method: clinical testing. Allele origin: unknown.
Comment: The FANCA c.3430C>T (p.Arg1144Trp) variant has been reported in the published literature in individuals affected with colorectal cancer and leiomyosarcoma (PMID: 32659967 (2020)), breast cancer (PMID: 30086788 (2018)), and ovarian cancer (PMID: 32546565 (2021)). The variant has also been reported in an individual with Fanconi Anemia (PMID: 22778927 (2012)) as well as reportedly unaffected individuals (PMID: 14695169 (2003), 29641532 (2018)). The frequency of this variant in the general population (Genome Aggregation Database) is higher than would generally be expected for pathogenic variants in this gene. Analysis of this variant using bioinformatics tools for the prediction of the effect of amino acid changes on protein structure and function yielded predictions that this variant is damaging. Based on the available information, we are unable to determine the clinical significance of this variant.

Blueprint Genetics
Classification: Uncertain significance. Last evaluated: 2024-10-21. Review status: criteria provided, single submitter. Criteria: ACMG Guidelines, 2015. Collection method: clinical testing. Allele origin: germline.

ARUP Laboratories, Molecular Genetics and Genomics, ARUP Laboratories
Classification: Likely benign for Fanconi anemia complementation group A. Last evaluated: 2024-04-26. Review status: criteria provided, single submitter. Criteria: ARUP Molecular Germline Variant Investigation Process 2024. Collection method: clinical testing. Allele origin: germline.

Institute for Clinical Genetics, University Hospital TU Dresden, University Hospital TU Dresden
Classification: Uncertain significance. Last evaluated: 2021-11-03. Review status: criteria provided, single submitter. Criteria: ACMG Guidelines, 2015. Collection method: clinical testing. Allele origin: germline.

Sema4
Classification: Uncertain significance for Fanconi anemia. Last evaluated: 2021-10-19. Review status: criteria provided, single submitter. Criteria: Sema4 Curation Guidelines. Collection method: curation. Allele origin: germline.
Comment: The FANCA c.3430C>T (p.R1144W) variant has been reported as compound heterozygous in at least one individual with Fanconi anemia (PMID: 22778927). It has also been reported in heterozygosity in at least three individuals with breast cancer, leiomyosarcoma, or Lynch syndrome related cancers (PMID: 30086788, 31655866, 32659967). However, it has also been reported in healthy individuals (PMID: 32546565, 14695169). This variant was observed in 120/129114 chromosomes in the European (non-Finnish) population, with no homozygotes, according to the Genome Aggregation Database (PMID: 32461654), and has been reported in ClinVar (Variation ID: 408171). Functional studies have not been performed, and in silico predictions of the variant's effect on protein function are inconclusive. The overall evidence is inconsistent with ACMG/AMP requirements for a classification of benign or pathogenic. In summary, the clinical significance of this variant is currently uncertain.

Baylor Genetics
Classification: Uncertain significance for Fanconi anemia complementation group A. Last evaluated: 2020-01-07. Review status: criteria provided, single submitter. Criteria: ACMG Guidelines, 2015. Collection method: clinical testing. Allele origin: unknown. Affected: yes. Study: CSER-TexasKidsCanSeq.
Comment: This variant was determined to be of uncertain significance according to ACMG Guidelines, 2015 [PMID:25741868].

Fulgent Genetics
Classification: Uncertain significance for Fanconi anemia complementation group A. Last evaluated: 2018-10-31. Review status: criteria provided, single submitter. Criteria: ACMG Guidelines, 2015. Collection method: clinical testing. Allele origin: unknown.

Illumina Laboratory Services, Illumina
Classification: Uncertain significance for Fanconi anemia complementation group A. Last evaluated: 2018-01-12. Review status: criteria provided, single submitter. Criteria: ICSL Variant Classification Criteria 13 December 2019. Collection method: clinical testing. Allele origin: germline.

Genetic Services Laboratory, University of Chicago
Classification: Uncertain significance. Last evaluated: 2017-02-03. Review status: criteria provided, single submitter. Criteria: ACMG Guidelines, 2015. Collection method: clinical testing. Allele origin: germline. Affected: no.

PreventionGenetics, part of Exact Sciences
Classification: Uncertain significance for FANCA-related condition. Last evaluated: 2024-08-13. Review status: no assertion criteria provided. Collection method: clinical testing. Allele origin: germline. Not counted in ClinVar's aggregate classification.
Comment: The FANCA c.3430C>T variant is predicted to result in the amino acid substitution p.Arg1144Trp. This variant has been reported in the compound heterozygous state with a truncating FANCA variant in an individual with Fanconi anemia (Gille et al. 2012. PubMed ID: 22778927). This variant has also been reported in an individual with breast cancer (Penkert et al. 2018. PubMed ID: 30086788) and a family with Lynch syndrome for which there was an alternate molecular cause (Pirini et al. 2019. PubMed ID: 31655866). This variant is reported in 0.093% of alleles in individuals of European (Non-Finnish) descent in gnomAD and has conflicting interpretations of pathogenicity in ClinVar ranging from likely benign to pathogenic. At this time, the clinical significance of this variant is uncertain due to the absence of conclusive functional and genetic evidence.

Natera, Inc.
Classification: Uncertain significance for Fanconi anemia, group A. Last evaluated: 2020-09-16. Review status: no assertion criteria provided. Collection method: clinical testing. Allele origin: germline. Not counted in ClinVar's aggregate classification.

Leiden Open Variation Database
Classification: Pathogenic for Fanconi anemia complementation group A. Last evaluated: 2020-02-28. Review status: no assertion criteria provided. Collection method: curation. Allele origin: germline. Affected: yes. Not counted in ClinVar's aggregate classification.
Comment: Curator: Arleen D. Auerbach. Submitter to LOVD: Johan de Winter.

Clinical Genetics DNA and cytogenetics Diagnostics Lab, Erasmus MC, Erasmus Medical Center
Classification: Uncertain significance. Review status: no assertion criteria provided. Collection method: clinical testing. Allele origin: germline. Affected: yes. Study: VKGL Data-share Consensus. Not counted in ClinVar's aggregate classification.

Genome Diagnostics Laboratory, Amsterdam University Medical Center
Classification: Uncertain significance. Review status: no assertion criteria provided. Collection method: clinical testing. Allele origin: germline. Affected: yes. Study: VKGL Data-share Consensus. Not counted in ClinVar's aggregate classification.

Literature cited by the submitters: PubMed 22778927 (cited by 6 submitters); PubMed 33883933 (cited by Center for Genomic Medicine, Rigshospitalet, Copenhagen University Hospital); PubMed 30086788 (cited by 5 submitters); PubMed 32659967 (cited by 4 submitters); PubMed 14695169 (cited by 3 submitters); PubMed 29641532 (cited by Mayo Clinic Laboratories, Mayo Clinic and Quest Diagnostics Nichols Institute San Juan Capistrano); PubMed 32546565 (cited by 3 submitters); PubMed 34426522 (cited by Quest Diagnostics Nichols Institute San Juan Capistrano); PubMed 31655866 (cited by Quest Diagnostics Nichols Institute San Juan Capistrano and Sema4).

NM_000135.4(FANCA):c.3430C>T (p.Arg1144Trp)

Gene: FANCA (FA complementation group A; minus strand). Cytogenetic location: 16q24.3.
Variant type: single nucleotide variant.
Coding change: c.3430C>T on transcript NM_000135.4 (MANE Select); coding-DNA position 3430, C replaced by T.
Protein change: p.Arg1144Trp; replaces arginine 1144 with tryptophan.
Molecular consequence: missense variant.
Genome position (GRCh38, 1-based): chr16:89,746,667, G>A on the plus strand (C>T on the coding strand, the complement: FANCA is on the minus strand). VCF-style: chr16-89746667-G-A. GRCh37 (hg19) VCF-style: chr16-89813075-G-A.
Other names: p.Arg1144Trp; c.3430C>T (NM_000135.3, LRG_495t1); c.3430C>T, p.Arg1144Trp (NM_001286167.3); short protein forms R1144W.
Identifiers: ClinVar variation 408171 (VCV000408171.39), dbSNP rs143671872, ClinGen allele CA8251153.